The following is an entry in ClinVar:

NM_004304.5(ALK):c.2571C>G (p.His857Gln)

Gene: ALK (ALK receptor tyrosine kinase; minus strand). Cytogenetic location: 2p23.2.
Variant type: single nucleotide variant.
Coding change: c.2571C>G on transcript NM_004304.5 (MANE Select); coding-DNA position 2571, C replaced by G.
Protein change: p.His857Gln; replaces histidine 857 with glutamine.
Molecular consequence: missense variant.
Genome position (GRCh38, 1-based): chr2:29,232,365, G>C on the plus strand (C>G on the coding strand, the complement: ALK is on the minus strand). VCF-style: chr2-29232365-G-C. GRCh37 (hg19) VCF-style: chr2-29455231-G-C.
Other names: short protein forms H857Q.
Identifiers: ClinVar variation 3689955 (VCV003689955.2).

ClinVar aggregate classification (germline): Uncertain significance (1 of 4 stars; one submission).

Conditions:
Neuroblastoma, susceptibility to, 3. Also called: ALK-Related Neuroblastic Tumor Susceptibility. Identifiers: Orphanet 635, MedGen C2751681, MONDO:0013083, OMIM 613014.

gnomAD v4.1: 2 of 1,614,162 alleles (0.00012%); highest among the groups gnomAD compares: Non-Finnish European, 0.00017%; no homozygotes.

Submission:

Labcorp Genetics (formerly Invitae), Labcorp
Classification: Uncertain significance for Neuroblastoma, susceptibility to, 3. Last evaluated: 2024-09-02. Review status: criteria provided, single submitter. Criteria: Invitae Variant Classification Sherloc (09022015). Collection method: clinical testing. Allele origin: germline.
Comment: This sequence change replaces histidine, which is basic and polar, with glutamine, which is neutral and polar, at codon 857 of the ALK protein (p.His857Gln). This variant is present in population databases (no rsID available, gnomAD 0.0009%). This variant has not been reported in the literature in individuals affected with ALK-related conditions. An algorithm developed to predict the effect of missense changes on protein structure and function (PolyPhen-2) suggests that this variant is likely to be tolerated. In summary, the available evidence is currently insufficient to determine the role of this variant in disease. Therefore, it has been classified as a Variant of Uncertain Significance.